The following is an entry in ClinVar:

ClinVar aggregate classification (germline): Likely benign. Review status: criteria provided, multiple submitters, no conflicts (2 of 4 stars). 3 submissions from 3 submitters: Likely benign (3). Last evaluated 2025-11-01.

Allele frequency attached by ClinVar (database versions not stated): gnomAD 0.00001; TOPMed 0.00005; gnomAD exomes 0.00007; ExAC 0.00009.
gnomAD v4.1: 101 of 1,613,714 alleles (0.0063%); highest among the groups gnomAD compares: Middle Eastern, 0.049%; no homozygotes.

Submissions (3):

CeGaT Center for Human Genetics Tuebingen
Classification: Likely benign. Last evaluated: 2025-11-01. Review status: criteria provided, single submitter. Criteria: CeGaT Center For Human Genetics Tuebingen Variant Classification Criteria Version 2. Collection method: clinical testing. Allele origin: germline. Affected: yes. Observed: 1 variant allele.
Comment: MYO3A: BP4, BP7

Labcorp Genetics (formerly Invitae), Labcorp
Classification: Likely benign. Last evaluated: 2025-02-18. Review status: criteria provided, single submitter. Criteria: Invitae Variant Classification Sherloc (09022015). Collection method: clinical testing. Allele origin: germline.

Blueprint Genetics
Classification: Likely benign. Last evaluated: 2024-08-16. Review status: criteria provided, single submitter. Criteria: ACMG Guidelines, 2015. Collection method: clinical testing. Allele origin: germline.

NM_017433.5(MYO3A):c.4641T>C (p.Ser1547=)

Gene: MYO3A (myosin IIIA; plus strand). Cytogenetic location: 10p12.1.
Variant type: single nucleotide variant.
Coding change: c.4641T>C on transcript NM_017433.5 (MANE Select); coding-DNA position 4641, T replaced by C.
Protein change: p.Ser1547=; no amino-acid change (serine 1547 retained).
Molecular consequence: synonymous variant.
Genome position (GRCh38, 1-based): chr10:26,203,018, T>C. VCF-style: chr10-26203018-T-C. GRCh37 (hg19) VCF-style: chr10-26491947-T-C.
Identifiers: ClinVar variation 2078816 (VCV002078816.11), dbSNP rs745708093, ClinGen allele CA5445537.
Genomic context (GRCh38, chr10:26,203,018, plus strand): 5'-TTACAGTCAGGGAAAATTATTAGATTTGGAAGATTTCTATTATAAGGAATTTTTGCCCAG[T>C]CGTTCTGGACCAAAGGAACATAGCCCTAGTTTAAGAGAACGAAGACCACAGCAAGAACTC-3'
Protein context (NP_059129.3, residues 1537-1557): EDFYYKEFLP[Ser1547=]RSGPKEHSPS